The following is an entry in ClinVar:

ClinVar aggregate classification (germline): Uncertain significance. Review status: criteria provided, multiple submitters, no conflicts (2 of 4 stars). 2 submissions from 2 submitters: Uncertain significance (2). Last evaluated 2023-12-29.

Conditions:
Hereditary cancer-predisposing syndrome. Also called: Tumor predisposition; Hereditary Cancer Syndrome; Hereditary neoplastic syndrome; Neoplastic Syndromes, Hereditary. Identifiers: Orphanet 140162, MedGen C0027672, MeSH D009386, MONDO:0015356.

Submissions (2):

Labcorp Genetics (formerly Invitae), Labcorp
Classification: Uncertain significance. Last evaluated: 2023-12-29. Review status: criteria provided, single submitter. Criteria: Invitae Variant Classification Sherloc (09022015). Collection method: clinical testing. Allele origin: germline.
Comment: This sequence change replaces alanine, which is neutral and non-polar, with serine, which is neutral and polar, at codon 443 of the MSH3 protein (p.Ala443Ser). This variant is not present in population databases (gnomAD no frequency). This variant has not been reported in the literature in individuals affected with MSH3-related conditions. ClinVar contains an entry for this variant (Variation ID: 2624710). An algorithm developed to predict the effect of missense changes on protein structure and function (PolyPhen-2) suggests that this variant is likely to be tolerated. In summary, the available evidence is currently insufficient to determine the role of this variant in disease. Therefore, it has been classified as a Variant of Uncertain Significance.

Ambry Genetics
Classification: Uncertain significance for Hereditary cancer-predisposing syndrome. Last evaluated: 2023-08-06. Review status: criteria provided, single submitter. Criteria: Ambry Variant Classification Scheme 2023. Collection method: clinical testing. Allele origin: germline.
Comment: The p.A443S variant (also known as c.1327G>T), located in coding exon 8 of the MSH3 gene, results from a G to T substitution at nucleotide position 1327. The alanine at codon 443 is replaced by serine, an amino acid with similar properties. This amino acid position is conserved. In addition, this alteration is predicted to be tolerated by in silico analysis. Since supporting evidence is limited at this time, the clinical significance of this alteration remains unclear.

NM_002439.5(MSH3):c.1327G>T (p.Ala443Ser)

Gene: MSH3 (mutS homolog 3; plus strand). Cytogenetic location: 5q14.1.
Variant type: single nucleotide variant.
Coding change: c.1327G>T on transcript NM_002439.5 (MANE Select); coding-DNA position 1327, G replaced by T.
Protein change: p.Ala443Ser; replaces alanine 443 with serine.
Molecular consequence: missense variant.
Genome position (GRCh38, 1-based): chr5:80,679,080, G>T. VCF-style: chr5-80679080-G-T. GRCh37 (hg19) VCF-style: chr5-79974899-G-T.
Other names: short protein forms A443S.
Identifiers: ClinVar variation 2624710 (VCV002624710.5), dbSNP rs752066199, ClinGen allele CA360269129.